The following is an entry in ClinVar:

NM_001273.5(CHD4):c.1573G>A (p.Ala525Thr)

Gene: CHD4 (chromodomain helicase DNA binding protein 4; minus strand). Cytogenetic location: 12p13.31.
Variant type: single nucleotide variant.
Coding change: c.1573G>A on transcript NM_001273.5 (MANE Select); coding-DNA position 1573, G replaced by A.
Protein change: p.Ala525Thr; replaces alanine 525 with threonine.
Molecular consequence: missense variant.
Genome position (GRCh38, 1-based): chr12:6,598,335, C>T on the plus strand (G>A on the coding strand, the complement: CHD4 is on the minus strand). VCF-style: chr12-6598335-C-T. GRCh37 (hg19) VCF-style: chr12-6707501-C-T.
Other names: c.1552G>A, p.Ala518Thr (NM_001297553.2); c.1534G>A, p.Ala512Thr (NM_001363606.2); short protein forms A512T, A518T, A525T.
Identifiers: ClinVar variation 1806260 (VCV001806260.2), dbSNP rs1037971289, ClinGen allele CA232396476.

ClinVar aggregate classification (germline): Uncertain significance (1 of 4 stars; one submission).

Conditions:
Sifrim-Hitz-Weiss syndrome (SIHIWES). Also called: CHD4 Neurodevelopmental Disorder; SIFRIM-HITZ-WEISS MULTIPLE CONGENITAL ANOMALIES-MENTAL RETARDATION SYNDROME. Identifiers: Orphanet 653712, MedGen C4310688, MONDO:0014946, OMIM 617159.

gnomAD v4.1: 10 of 1,614,150 alleles (0.00062%); highest among the groups gnomAD compares: Non-Finnish European, 0.00085%; no homozygotes.

Submission:

Victorian Clinical Genetics Services, Murdoch Childrens Research Institute
Classification: Uncertain significance for Sifrim-Hitz-Weiss syndrome. Last evaluated: 2020-06-11. Review status: criteria provided, single submitter. Criteria: ACMG Guidelines, 2015. Collection method: clinical testing. Allele origin: germline. Inheritance: Autosomal dominant inheritance. Affected: yes.
Comment: Based on the classification scheme VCGS_Germline_v1.1.1, this variant is classified as 3B-VUS. Following criteria are met: 0102 - Loss-of-function is a known mechanism of disease for this gene. (N) 0107 - This gene is known to be associated with autosomal dominant disease. (N) 0200 - Variant is predicted to result in a missense amino acid change from alanine to threonine (exon 11). (N) 0251 - Variant is heterozygous. (N) 0301 - Variant is absent from gnomAD. (P) 0502 - Missense variant with conflicting in silico predictions and/or uninformative conservation. (N) 0600 - Variant is located in an annotated domain or motif. In the chromodomain_1 domain (NCBI, PDB) (N) 0705 - No comparable variants have previous evidence for pathogenicity. (N) 0807 - Variant has not previously been reported in a clinical context. (N) 0905 - No segregation evidence has been identified for this variant. (N) 1007 - No published functional evidence has been identified for this variant. (N) 1208 - Inheritance information for this variant is not currently available. (N) Legend: (P) - Pathogenic, (N) - Neutral, (B) - Benign